The following is an entry in ClinVar:

ClinVar aggregate classification (germline): Benign. Review status: criteria provided, multiple submitters, no conflicts (2 of 4 stars). 3 submissions from 3 submitters: Benign (3). Last evaluated 2026-01-27.

Allele frequency attached by ClinVar (database versions not stated): gnomAD exomes 0.00092 and 0.00240; ExAC 0.00440; ESP Exome Variant Server 0.00785; gnomAD 0.00914 and 0.00957; TOPMed 0.01040; 1000 Genomes Project 30x 0.01234; 1000 Genomes Project 0.01318.
gnomAD v4.1: 2,833 of 1,597,762 alleles (0.18%); highest among the groups gnomAD compares: African/African-American, 3.3%; 33 homozygotes.

Submissions (3):

Labcorp Genetics (formerly Invitae), Labcorp
Classification: Benign. Last evaluated: 2026-01-27. Review status: criteria provided, single submitter. Criteria: Invitae Variant Classification Sherloc (09022015). Collection method: clinical testing. Allele origin: germline.

GeneDx
Classification: Benign. Last evaluated: 2014-04-23. Review status: criteria provided, single submitter. Criteria: GeneDx Variant Classification (06012015). Collection method: clinical testing. Allele origin: germline. Affected: yes.
Comment: This variant is considered likely benign or benign based on one or more of the following criteria: it is a conservative change, it occurs at a poorly conserved position in the protein, it is predicted to be benign by multiple in silico algorithms, and/or has population frequency not consistent with disease.

Breakthrough Genomics
Classification: Benign. Review status: criteria provided, single submitter. Criteria: ACMG Guidelines, 2015. Collection method: not provided. Allele origin: germline. Inheritance: Autosomal recessive inheritance. Affected: yes.

NM_182476.3(COQ6):c.163+11C>T

Gene: COQ6 (coenzyme Q6, monooxygenase; plus strand). Cytogenetic location: 14q24.3.
Variant type: single nucleotide variant.
Coding change: c.163+11C>T on transcript NM_182476.3 (MANE Select); 11 bases into the intron after coding-DNA position 163, C replaced by T.
Molecular consequence: intron variant.
Genome position (GRCh38, 1-based): chr14:73,950,506, C>T. VCF-style: chr14-73950506-C-T. GRCh37 (hg19) VCF-style: chr14-74417209-C-T.
Other names: c.88+326C>T (NM_182480.3).
Identifiers: ClinVar variation 136981 (VCV000136981.10), dbSNP rs60369619, ClinGen allele CA290436.